The following is an entry in ClinVar:

NM_006195.6(PBX3):c.946_947insTA (p.Ala316fs)

Gene: PBX3 (PBX homeobox 3; plus strand). Cytogenetic location: 9q33.3.
Variant type: Insertion.
Coding change: c.946_947insTA on transcript NM_006195.6 (MANE Select); coding-DNA positions 946 to 947, TA inserted.
Protein change: p.Ala316fs; shifts the reading frame from alanine 316.
Molecular consequence: frameshift variant. On other transcripts: non-coding transcript variant (2).
Genome position: GRCh38 VCF-style: chr9-125960786-G-GTA. GRCh37 (hg19) VCF-style: chr9-128723065-G-GTA.
Other names: c.721_722insTA, p.Ala241fs (NM_001134778.2); c.946_947insTA, p.Ala316fs (NM_001330782.2); c.1009_1010insTA, p.Ala337Valfs (NM_001411009.1); c.946_947insTA (NM_006195.3); short protein forms A241fs, A316fs.
Identifiers: ClinVar variation 2430148 (VCV002430148.1), dbSNP rs2538917443, ClinGen allele CA2580079534.

ClinVar aggregate classification (germline): Likely pathogenic (0 of 4 stars; one submission).

Conditions:
X-linked cone-rod dystrophy. Identifiers: MedGen CN323387, MONDO:0021155.

Submission:

Genetic Eye Disease Investigation Unit, University of Auckland
Classification: Likely pathogenic for X-LINKED ROD CONE DYSTROPHY. Last evaluated: 2023-01-03. Review status: no assertion criteria provided. Collection method: clinical testing. Allele origin: maternal. Affected: yes. Observed: 2 variant alleles.